The following is an entry in ClinVar:

ClinVar aggregate classification (germline): Conflicting classifications of pathogenicity. Review status: criteria provided, conflicting classifications (1 of 4 stars). 3 submissions from 3 submitters: Uncertain significance (2); Likely benign (1). Last evaluated 2025-09-02.

Conditions:
Inborn genetic diseases. Identifiers: MedGen C0950123, MeSH D030342.

Allele frequency attached by ClinVar (database versions not stated): gnomAD exomes 0.00001 and 0.00002; ExAC 0.00002; gnomAD 0.00009 and 0.00010; TOPMed 0.00012.
gnomAD v4.1: 24 of 1,613,828 alleles (0.0015%); highest among the groups gnomAD compares: African/African-American, 0.025%; no homozygotes.

Submissions (3):

Labcorp Genetics (formerly Invitae), Labcorp
Classification: Likely benign. Last evaluated: 2025-09-02. Review status: criteria provided, single submitter. Criteria: Invitae Variant Classification Sherloc (09022015). Collection method: clinical testing. Allele origin: germline.

Ambry Genetics
Classification: Uncertain significance for Inborn genetic diseases. Last evaluated: 2021-08-12. Review status: criteria provided, single submitter. Criteria: Ambry Variant Classification Scheme 2023. Collection method: clinical testing. Allele origin: germline.

Laboratory for Molecular Medicine, Mass General Brigham Personalized Medicine
Classification: Uncertain significance. Last evaluated: 2018-05-18. Review status: criteria provided, single submitter. Criteria: LMM Criteria. Collection method: clinical testing. Allele origin: germline. Observed: 1 variant allele.
Comment: The p.Ser1742Thr variant in CACNA1D has not been reported in individuals with he aring loss, but was identified in 0.02% (6/24024) of African chromosomes by the Genome Aggregation Database (gnomAD; dbSNP rs7 59409255). Computational prediction tools and conservation analysis do not provi de strong support for or against an impact to the protein. In summary, the clini cal significance of the p.Ser1742Thr variant is uncertain. ACMG/AMP Criteria app lied: PM2_Supporting.

NM_001128840.3(CACNA1D):c.5165G>C (p.Ser1722Thr)

Gene: CACNA1D (calcium voltage-gated channel subunit alpha1 D; plus strand). Cytogenetic location: 3p21.1.
Variant type: single nucleotide variant.
Coding change: c.5165G>C on transcript NM_001128840.3 (MANE Select); coding-DNA position 5165, G replaced by C.
Protein change: p.Ser1722Thr; replaces serine 1722 with threonine.
Molecular consequence: missense variant.
Genome position (GRCh38, 1-based): chr3:53,801,182, G>C. VCF-style: chr3-53801182-G-C. GRCh37 (hg19) VCF-style: chr3-53835209-G-C.
Other names: c.5225G>C, p.Ser1742Thr (NM_000720.4); c.5120G>C, p.Ser1707Thr (NM_001128839.3); short protein forms S1707T, S1722T, S1742T.
Identifiers: ClinVar variation 667201 (VCV000667201.12), dbSNP rs759409255, ClinGen allele CA2455084.
Genomic context (GRCh38, chr3:53,801,182, plus strand): 5'-AGCAGACCAATACCACCCACCGTCCCCTGCATGTCCAAAGGCCTTCAATTCCACCTGCAA[G>C]TGATACTGAGAAACCGCTGTTTCCTCCAGCAGGAAATTCGGTGTGTCATAACCATCATAA-3'
Protein context (NP_001122312.1, residues 1712-1732): HVQRPSIPPA[Ser1722Thr]DTEKPLFPPA